The following is an entry in ClinVar:

ClinVar aggregate classification (germline): Likely benign (1 of 4 stars; one submission).

Allele frequency attached by ClinVar (database versions not stated): gnomAD 0.01947 and 0.02025; TOPMed 0.02156; 1000 Genomes Project 30x 0.02420; 1000 Genomes Project 0.02536; gnomAD exomes 0.02631.
gnomAD v4.1: 24,705 of 974,912 alleles (2.5%); highest among the groups gnomAD compares: Admixed American, 3.8%; 393 homozygotes.

Submission:

GeneDx
Classification: Likely benign. Last evaluated: 2018-06-19. Review status: criteria provided, single submitter. Criteria: GeneDx Variant Classification (06012015). Collection method: clinical testing. Allele origin: germline. Affected: yes.
Comment: This variant is considered likely benign or benign based on one or more of the following criteria: it is a conservative change, it occurs at a poorly conserved position in the protein, it is predicted to be benign by multiple in silico algorithms, and/or has population frequency not consistent with disease.

NM_001134831.2(AHI1):c.932-115C>T

Gene: AHI1 (Abelson helper integration site 1; minus strand). Cytogenetic location: 6q23.3.
Variant type: single nucleotide variant.
Coding change: c.932-115C>T on transcript NM_001134831.2 (MANE Select); 115 bases into the intron before coding-DNA position 932, C replaced by T.
Molecular consequence: intron variant.
Genome position (GRCh38, 1-based): chr6:135,457,828, G>A on the plus strand (C>T on the coding strand, the complement: AHI1 is on the minus strand). VCF-style: chr6-135457828-G-A. GRCh37 (hg19) VCF-style: chr6-135778966-G-A.
Other names: c.932-115C>T (NM_001134830.2, NM_001350503.2, NM_017651.5 and 2 more transcripts).
Identifiers: ClinVar variation 675180 (VCV000675180.1), dbSNP rs77900254, ClinGen allele CA148143412.
Genomic context (GRCh38, chr6:135,457,828, plus strand): 5'-TTTACATATAACCTAATCTTTAAGATCTGTGATGATCTCACTGTGTTCAAAGGAACTTCA[G>A]GGGGAAAGAAAGAAAAAGCCAGACAACAGCAAACCATAGTGTGAAAGTAAAATACTACAT-3'